The following is an entry in ClinVar:

NM_014370.4(SRPK3):c.1265A>C (p.Glu422Ala)

Gene: SRPK3 (SRSF protein kinase 3; plus strand). Cytogenetic location: Xq28.
Variant type: single nucleotide variant.
Coding change: c.1265A>C on transcript NM_014370.4 (MANE Select); coding-DNA position 1265, A replaced by C.
Protein change: p.Glu422Ala; replaces glutamic acid 422 with alanine.
Molecular consequence: missense variant.
Genome position (GRCh38, 1-based): chrX:153,784,766, A>C. VCF-style: chrX-153784766-A-C. GRCh37 (hg19) VCF-style: chrX-153050221-A-C.
Other names: c.1262A>C, p.Glu421Ala (NM_001170760.2); c.1163A>C, p.Glu388Ala (NM_001170761.2); short protein forms E388A, E421A, E422A.
Identifiers: ClinVar variation 4874491 (VCV004874491.2).

ClinVar aggregate classification (germline): Uncertain significance (1 of 4 stars; one submission).

Submission:

CeGaT Center for Human Genetics Tuebingen
Classification: Uncertain significance. Last evaluated: 2026-04-01. Review status: criteria provided, single submitter. Criteria: CeGaT Center For Human Genetics Tuebingen Variant Classification Criteria Version 2. Collection method: clinical testing. Allele origin: germline. Affected: yes. Observed: 1 variant allele.
Comment: SRPK3: PM2